The following is an entry in ClinVar:

ClinVar aggregate classification (germline): Uncertain significance (1 of 4 stars; one submission).

Conditions:
Inborn genetic diseases. Identifiers: MedGen C0950123, MeSH D030342.

Submission:

Ambry Genetics
Classification: Uncertain significance for Inborn genetic diseases. Last evaluated: 2025-08-07. Review status: criteria provided, single submitter. Criteria: Ambry Variant Classification Scheme 2023. Collection method: clinical testing. Allele origin: germline.
Comment: The p.Q1551H variant (also known as c.4653A>T), located in coding exon 18 of the FANCM gene, results from an A to T substitution at nucleotide position 4653. The glutamine at codon 1551 is replaced by histidine, an amino acid with highly similar properties. This amino acid position is conserved. In addition, this alteration is predicted to be tolerated by in silico analysis. Based on the available evidence, the clinical significance of this variant remains unclear.

NM_020937.4(FANCM):c.4653A>T (p.Gln1551His)

Gene: FANCM (FA complementation group M; plus strand). Cytogenetic location: 14q21.2.
Variant type: single nucleotide variant.
Coding change: c.4653A>T on transcript NM_020937.4 (MANE Select); coding-DNA position 4653, A replaced by T.
Protein change: p.Gln1551His; replaces glutamine 1551 with histidine.
Molecular consequence: missense variant.
Genome position (GRCh38, 1-based): chr14:45,185,354, A>T. VCF-style: chr14-45185354-A-T. GRCh37 (hg19) VCF-style: chr14-45654557-A-T.
Other names: c.4575A>T, p.Gln1525His (NM_001308133.2); short protein forms Q1551H, Q1525H.
Identifiers: ClinVar variation 4254654 (VCV004254654.1).